The following is an entry in ClinVar:

NM_000138.5(FBN1):c.4829_4838dup (p.Leu1616fs)

Gene: FBN1 (fibrillin 1; minus strand). Cytogenetic location: 15q21.1.
Variant type: Duplication.
Coding change: c.4829_4838dup on transcript NM_000138.5 (MANE Select); coding-DNA positions 4829 to 4838, 10 bases duplicated (GCCAGGAGCT; older notation c.4829_4838dupGCCAGGAGCT).
Protein change: p.Leu1616fs; shifts the reading frame from leucine 1616.
Molecular consequence: frameshift variant.
Genome position (GRCh38, 1-based): chr15:48,465,672-48,465,681, AGCTCCTGGC duplicated on the plus strand (GCCAGGAGCT on the coding strand, the reverse complement: FBN1 is on the minus strand); duplicating any 10 consecutive bases within chr15:48,465,672-48,465,682 gives the same sequence; the c. name uses the placement nearest the transcript's 3' end. VCF-style (leftmost placement, unchanged base first): chr15-48465671-T-TAGCTCCTGGC. GRCh37 (hg19) VCF-style: chr15-48757868-T-TAGCTCCTGGC.
Other names: c.4829_4838dupGCCAGGAGCT (NM_000138.4); short protein forms L1616fs.
Identifiers: ClinVar variation 641341 (VCV000641341.6), dbSNP rs1597547075, ClinGen allele CA915945993.

ClinVar aggregate classification (germline): Pathogenic (1 of 4 stars; one submission).

Conditions:
Familial thoracic aortic aneurysm and aortic dissection (TAAD). Also called: Thoracic aortic aneurysms and dissections. Identifiers: Orphanet 91387, MedGen C4707243, MONDO:0019625.
Marfan syndrome (MFS). Also called: FBN1-Related Marfan Syndrome; Marfan syndrome type 1; Marfan's syndrome; Marfan syndrome, classic; MARFAN SYNDROME, TYPE I. Identifiers: Orphanet 284963, Orphanet 558, MedGen C0024796, MONDO:0007947, OMIM 154700.

Submission:

Labcorp Genetics (formerly Invitae), Labcorp
Classification: Pathogenic for Marfan syndrome; Familial thoracic aortic aneurysm and aortic dissection. Last evaluated: 2023-04-26. Review status: criteria provided, single submitter. Criteria: Invitae Variant Classification Sherloc (09022015). Collection method: clinical testing. Allele origin: germline.
Comment: ClinVar contains an entry for this variant (Variation ID: 641341). This variant has not been reported in the literature in individuals affected with FBN1-related conditions. This variant is not present in population databases (gnomAD no frequency). This sequence change creates a premature translational stop signal (p.Leu1616Alafs*29) in the FBN1 gene. It is expected to result in an absent or disrupted protein product. Loss-of-function variants in FBN1 are known to be pathogenic (PMID: 17657824, 19293843). For these reasons, this variant has been classified as Pathogenic.

Literature cited by the submitters: PubMed 17657824; PubMed 19293843.